The following is an entry in ClinVar:

ClinVar aggregate classification (germline): Uncertain significance. Review status: criteria provided, multiple submitters, no conflicts (2 of 4 stars). 2 submissions from 2 submitters: Uncertain significance (2). Last evaluated 2024-11-13.

Conditions:
Myopathy, proximal, and ophthalmoplegia (CMYO6). Also called: MYOPATHY WITH CONGENITAL JOINT CONTRACTURES, OPHTHALMOPLEGIA, AND RIMMED VACUOLES; INCLUSION BODY MYOPATHY 3, AUTOSOMAL DOMINANT; CONGENITAL MYOPATHY 6 WITH OPHTHALMOPLEGIA. Identifiers: Orphanet 363677, Orphanet 79091, MedGen C1854106, MONDO:0011577, OMIM 605637.

Allele frequency attached by ClinVar (database versions not stated): gnomAD 0.00001 and 0.00002; TOPMed 0.00001; gnomAD exomes 0.00002 and 0.00003; ExAC 0.00003.
gnomAD v4.1: 26 of 1,614,124 alleles (0.0016%); highest among the groups gnomAD compares: Non-Finnish European, 0.0019%; no homozygotes.

Submissions (2):

Labcorp Genetics (formerly Invitae), Labcorp
Classification: Uncertain significance for Myopathy, proximal, and ophthalmoplegia. Last evaluated: 2024-11-13. Review status: criteria provided, single submitter. Criteria: Invitae Variant Classification Sherloc (09022015). Collection method: clinical testing. Allele origin: germline.
Comment: This sequence change replaces isoleucine, which is neutral and non-polar, with threonine, which is neutral and polar, at codon 1100 of the MYH2 protein (p.Ile1100Thr). This variant is present in population databases (rs769463886, gnomAD 0.007%). This variant has not been reported in the literature in individuals affected with MYH2-related conditions. ClinVar contains an entry for this variant (Variation ID: 321676). Invitae Evidence Modeling of protein sequence and biophysical properties (such as structural, functional, and spatial information, amino acid conservation, physicochemical variation, residue mobility, and thermodynamic stability) indicates that this missense variant is not expected to disrupt MYH2 protein function with a negative predictive value of 80%. In summary, the available evidence is currently insufficient to determine the role of this variant in disease. Therefore, it has been classified as a Variant of Uncertain Significance.

Illumina Laboratory Services, Illumina
Classification: Uncertain significance for Myopathy, proximal, and ophthalmoplegia. Last evaluated: 2018-01-13. Review status: criteria provided, single submitter. Criteria: ICSL Variant Classification Criteria 13 December 2019. Collection method: clinical testing. Allele origin: germline.

NM_017534.6(MYH2):c.3299T>C (p.Ile1100Thr)

Genes: MYH2 (myosin heavy chain 2; minus strand), MYHAS (myosin heavy chain gene cluster antisense RNA; plus strand). Cytogenetic location: 17p13.1.
Variant type: single nucleotide variant.
Coding change: c.3299T>C on transcript NM_017534.6 (MANE Select); coding-DNA position 3299, T replaced by C.
Protein change: p.Ile1100Thr; replaces isoleucine 1100 with threonine.
Molecular consequence: missense variant.
Genome position (GRCh38, 1-based): chr17:10,529,217, A>G on the plus strand (T>C on the coding strand, the complement: MYH2 is on the minus strand). VCF-style: chr17-10529217-A-G. GRCh37 (hg19) VCF-style: chr17-10432534-A-G.
Other names: c.3299T>C, p.Ile1100Thr (NM_001100112.2); short protein forms I1100T.
Identifiers: ClinVar variation 321676 (VCV000321676.10), dbSNP rs769463886, ClinGen allele CA8390946.